The following is an entry in ClinVar:

ClinVar aggregate classification (germline): Uncertain significance (1 of 4 stars; one submission).

Conditions:
Cardiovascular phenotype. Identifiers: MedGen CN230736.

Submission:

Ambry Genetics
Classification: Uncertain significance for Cardiovascular phenotype. Last evaluated: 2018-02-26. Review status: criteria provided, single submitter. Criteria: Ambry Variant Classification Scheme 2023. Collection method: clinical testing. Allele origin: germline.
Comment: The p.W2290C variant (also known as c.6870G>T), located in coding exon 45 of the RYR2 gene, results from a G to T substitution at nucleotide position 6870. The tryptophan at codon 2290 is replaced by cysteine, an amino acid with highly dissimilar properties. This amino acid position is highly conserved in available vertebrate species. In addition, this alteration is predicted to be deleterious by in silico analysis. Since supporting evidence is limited at this time, the clinical significance of this alteration remains unclear.

NM_001035.3(RYR2):c.6870G>T (p.Trp2290Cys)

Gene: RYR2 (ryanodine receptor 2; plus strand). Cytogenetic location: 1q43.
Variant type: single nucleotide variant.
Coding change: c.6870G>T on transcript NM_001035.3 (MANE Select); coding-DNA position 6870, G replaced by T.
Protein change: p.Trp2290Cys; replaces tryptophan 2290 with cysteine.
Molecular consequence: missense variant.
Genome position (GRCh38, 1-based): chr1:237,638,434, G>T. VCF-style: chr1-237638434-G-T. GRCh37 (hg19) VCF-style: chr1-237801734-G-T.
Other names: short protein forms W2290C.
Identifiers: ClinVar variation 1755890 (VCV001755890.2), dbSNP rs2148724199, ClinGen allele CA345395586.